The following is an entry in ClinVar:

NM_001110556.2(FLNA):c.4217A>G (p.Lys1406Arg)

Gene: FLNA (filamin A; minus strand). Cytogenetic location: Xq28.
Variant type: single nucleotide variant.
Coding change: c.4217A>G on transcript NM_001110556.2 (MANE Select); coding-DNA position 4217, A replaced by G.
Protein change: p.Lys1406Arg; replaces lysine 1406 with arginine.
Molecular consequence: missense variant.
Genome position (GRCh38, 1-based): chrX:154,359,332, T>C on the plus strand (A>G on the coding strand, the complement: FLNA is on the minus strand). VCF-style: chrX-154359332-T-C. GRCh37 (hg19) VCF-style: chrX-153587700-T-C.
Other names: c.4217A>G, p.Lys1406Arg (NM_001456.4); short protein forms K1406R.
Identifiers: ClinVar variation 3753986 (VCV003753986.2).

ClinVar aggregate classification (germline): Uncertain significance (1 of 4 stars; one submission).

Conditions:
Melnick-Needles syndrome (MNS). Also called: MELNICK-NEEDLES OSTEODYSPLASTY; OSTEODYSPLASTY OF MELNICK AND NEEDLES; Melnick-Needles Syndrome (FLNA-MNS). Identifiers: Orphanet 2484, MedGen C0025237, MONDO:0010650, OMIM 309350.
Frontometaphyseal dysplasia (FMD1). Identifiers: Orphanet 1826, MedGen C0265293, MONDO:0015942.
Heterotopia, periventricular, X-linked dominant (PVNH1). Also called: PERIVENTRICULAR NODULAR HETEROTOPIA 1; X-linked periventricular heterotopia; PERIVENTRICULAR NODULAR HETEROTOPIA 4; HETEROTOPIA, PERIVENTRICULAR, 1. Identifiers: Orphanet 2149, Orphanet 82004, MedGen C1848213, MONDO:0010233, OMIM 300049.
Oto-palato-digital syndrome, type II (OPD2). Also called: FACIOPALATOOSSEOUS SYNDROME; OPD II SYNDROME; Otopalatodigital Syndrome, Type II; Otopalatodigital Syndrome Type 2 (FLNA-OPD2). Identifiers: Orphanet 669, Orphanet 90652, MedGen C1844696, MONDO:0010571, OMIM 304120.

gnomAD v4.1: 1 of 1,211,315 alleles (0.000083%); highest among the groups gnomAD compares: Non-Finnish European, 0.00011%; no homozygotes.

Submission:

Labcorp Genetics (formerly Invitae), Labcorp
Classification: Uncertain significance for Oto-palato-digital syndrome, type II; Heterotopia, periventricular, X-linked dominant; Frontometaphyseal dysplasia; Melnick-Needles syndrome. Last evaluated: 2024-08-29. Review status: criteria provided, single submitter. Criteria: Invitae Variant Classification Sherloc (09022015). Collection method: clinical testing. Allele origin: germline.
Comment: This sequence change replaces lysine, which is basic and polar, with arginine, which is basic and polar, at codon 1406 of the FLNA protein (p.Lys1406Arg). This variant is not present in population databases (gnomAD no frequency). This variant has not been reported in the literature in individuals affected with FLNA-related conditions. Invitae Evidence Modeling of protein sequence and biophysical properties (such as structural, functional, and spatial information, amino acid conservation, physicochemical variation, residue mobility, and thermodynamic stability) indicates that this missense variant is not expected to disrupt FLNA protein function with a negative predictive value of 95%. In summary, the available evidence is currently insufficient to determine the role of this variant in disease. Therefore, it has been classified as a Variant of Uncertain Significance.